The following is an entry in ClinVar:

NM_005120.3(MED12):c.2351G>A (p.Arg784His)

Gene: MED12 (mediator complex subunit 12; plus strand). Cytogenetic location: Xq13.1.
Variant type: single nucleotide variant.
Coding change: c.2351G>A on transcript NM_005120.3 (MANE Select); coding-DNA position 2351, G replaced by A.
Protein change: p.Arg784His; replaces arginine 784 with histidine.
Molecular consequence: missense variant.
Genome position (GRCh38, 1-based): chrX:71,125,475, G>A. VCF-style: chrX-71125475-G-A. GRCh37 (hg19) VCF-style: chrX-70345325-G-A.
Other names: c.2351G>A (NM_005120.2); short protein forms R784H.
Identifiers: ClinVar variation 1381245 (VCV001381245.9), dbSNP rs777238737, ClinGen allele CA10444334.

ClinVar aggregate classification (germline): Uncertain significance. Review status: criteria provided, multiple submitters, no conflicts (2 of 4 stars). 2 submissions from 2 submitters: Uncertain significance (2). Last evaluated 2023-06-26.

Conditions:
FG syndrome (FGS). Identifiers: MedGen C0220769, MONDO:0002010.
MED12-Related Disorders. Also called: MED12-related disorder; MED12-related condition. Identifiers: MedGen CN381102.

Allele frequency attached by ClinVar (database versions not stated): gnomAD exomes below 0.00001 and 0.00001; ExAC 0.00001.
gnomAD v4.1: 4 of 1,210,679 alleles (0.00033%); highest among the groups gnomAD compares: East Asian, 0.003%; no homozygotes.

Submissions (2):

PreventionGenetics, part of Exact Sciences
Classification: Uncertain significance for MED12-related condition. Last evaluated: 2023-06-26. Review status: criteria provided, single submitter. Criteria: ACMG Guidelines, 2015. Collection method: clinical testing. Allele origin: germline.
Comment: The MED12 c.2351G>A variant is predicted to result in the amino acid substitution p.Arg784His. To our knowledge, this variant has not been reported in the literature. This variant is reported in 0.0074% of alleles in individuals of East Asian descent in gnomAD. At this time, the clinical significance of this variant is uncertain due to the absence of conclusive functional and genetic evidence.

Labcorp Genetics (formerly Invitae), Labcorp
Classification: Uncertain significance for FG syndrome. Last evaluated: 2021-05-20. Review status: criteria provided, single submitter. Criteria: Invitae Variant Classification Sherloc (09022015). Collection method: clinical testing. Allele origin: germline.
Comment: Advanced modeling of protein sequence and biophysical properties (such as structural, functional, and spatial information, amino acid conservation, physicochemical variation, residue mobility, and thermodynamic stability) performed at Invitae indicates that this missense variant is expected to disrupt MED12 protein function. This variant has not been reported in the literature in individuals with MED12-related conditions. This variant is present in population databases (rs777238737, ExAC 0.01%). This sequence change replaces arginine with histidine at codon 784 of the MED12 protein (p.Arg784His). The arginine residue is highly conserved and there is a small physicochemical difference between arginine and histidine. In summary, the available evidence is currently insufficient to determine the role of this variant in disease. Therefore, it has been classified as a Variant of Uncertain Significance.